The following is an entry in ClinVar:

ClinVar aggregate classification (germline): Uncertain significance (1 of 4 stars; one submission).

Conditions:
Aicardi-Goutieres syndrome 6 (AGS6). Identifiers: Orphanet 51, MedGen C3539013, MONDO:0014007, OMIM 615010.
Symmetrical dyschromatosis of extremities (DSH). Also called: DYSCHROMATOSIS SYMMETRICA HEREDITARIA 1; RETICULATE ACROPIGMENTATION OF DOHI; SYMMETRIC DYSCHROMATOSIS OF THE EXTREMITIES; Dyschromatosis symmetrica hereditaria. Identifiers: Orphanet 41, MedGen C0406775, MONDO:0007483, OMIM 127400.

gnomAD v4.1: 9 of 1,614,214 alleles (0.00056%); highest among the groups gnomAD compares: Non-Finnish European, 0.00076%; no homozygotes.

Submission:

Labcorp Genetics (formerly Invitae), Labcorp
Classification: Uncertain significance for Aicardi-Goutieres syndrome 6; Symmetrical dyschromatosis of extremities. Last evaluated: 2025-04-17. Review status: criteria provided, single submitter. Criteria: Invitae Variant Classification Sherloc (09022015). Collection method: clinical testing. Allele origin: germline.
Comment: This sequence change replaces serine, which is neutral and polar, with proline, which is neutral and non-polar, at codon 690 of the ADAR protein (p.Ser690Pro). This variant is present in population databases (no rsID available, gnomAD 0.002%). This variant has not been reported in the literature in individuals affected with ADAR-related conditions. Invitae Evidence Modeling of protein sequence and biophysical properties (such as structural, functional, and spatial information, amino acid conservation, physicochemical variation, residue mobility, and thermodynamic stability) indicates that this missense variant is not expected to disrupt ADAR protein function with a negative predictive value of 80%. In summary, the available evidence is currently insufficient to determine the role of this variant in disease. Therefore, it has been classified as a Variant of Uncertain Significance.

NM_001111.5(ADAR):c.2068T>C (p.Ser690Pro)

Gene: ADAR (adenosine deaminase RNA specific; minus strand). Cytogenetic location: 1q21.3.
Variant type: single nucleotide variant.
Coding change: c.2068T>C on transcript NM_001111.5 (MANE Select); coding-DNA position 2068, T replaced by C.
Protein change: p.Ser690Pro; replaces serine 690 with proline.
Molecular consequence: missense variant.
Genome position (GRCh38, 1-based): chr1:154,597,134, A>G on the plus strand (T>C on the coding strand, the complement: ADAR is on the minus strand). VCF-style: chr1-154597134-A-G. GRCh37 (hg19) VCF-style: chr1-154569610-A-G.
Other names: c.1183T>C, p.Ser395Pro (NM_001025107.3, NM_001193495.2, NM_001365046.1 and 3 more transcripts); c.2095T>C, p.Ser699Pro (NM_001365045.1); c.2068T>C, p.Ser690Pro (NM_015840.4, NM_015841.4); short protein forms S699P, S395P, S690P.
Identifiers: ClinVar variation 4790914 (VCV004790914.1).